The following is an entry in ClinVar:

ClinVar aggregate classification (germline): Uncertain significance. Review status: criteria provided, multiple submitters, no conflicts (2 of 4 stars). 2 submissions from 2 submitters: Uncertain significance (2). Last evaluated 2024-10-22.

Conditions:
Epidermodysplasia verruciformis. Identifiers: Orphanet 302, MedGen C0014522, MONDO:0009176.
Inborn genetic diseases. Identifiers: MedGen C0950123, MeSH D030342.

Allele frequency attached by ClinVar (database versions not stated): gnomAD exomes 0.00007 and 0.00014; 1000 Genomes Project 30x 0.00016; ExAC 0.00016; 1000 Genomes Project 0.00020; gnomAD 0.00041 and 0.00045; TOPMed 0.00045; ESP Exome Variant Server 0.00069.
gnomAD v4.1: 160 of 1,612,892 alleles (0.0099%); highest among the groups gnomAD compares: African/African-American, 0.12%; no homozygotes.

Submissions (2):

Labcorp Genetics (formerly Invitae), Labcorp
Classification: Uncertain significance for Epidermodysplasia verruciformis. Last evaluated: 2024-10-22. Review status: criteria provided, single submitter. Criteria: Invitae Variant Classification Sherloc (09022015). Collection method: clinical testing. Allele origin: germline.
Comment: This sequence change replaces threonine, which is neutral and polar, with methionine, which is neutral and non-polar, at codon 314 of the TMC6 protein (p.Thr314Met). This variant is present in population databases (rs151028330, gnomAD 0.2%). This variant has not been reported in the literature in individuals affected with TMC6-related conditions. ClinVar contains an entry for this variant (Variation ID: 946466). An algorithm developed to predict the effect of missense changes on protein structure and function outputs the following: PolyPhen-2: "Benign". The methionine amino acid residue is found in multiple mammalian species, which suggests that this missense change does not adversely affect protein function. In summary, the available evidence is currently insufficient to determine the role of this variant in disease. Therefore, it has been classified as a Variant of Uncertain Significance.

Ambry Genetics
Classification: Uncertain significance for Inborn genetic diseases. Last evaluated: 2022-01-26. Review status: criteria provided, single submitter. Criteria: Ambry Variant Classification Scheme 2023. Collection method: clinical testing. Allele origin: germline.

NM_001127198.5(TMC6):c.941C>T (p.Thr314Met)

Gene: TMC6 (transmembrane channel like 6; minus strand). Cytogenetic location: 17q25.3.
Variant type: single nucleotide variant.
Coding change: c.941C>T on transcript NM_001127198.5 (MANE Select); coding-DNA position 941, C replaced by T.
Protein change: p.Thr314Met; replaces threonine 314 with methionine.
Molecular consequence: missense variant.
Genome position (GRCh38, 1-based): chr17:78,124,130, G>A on the plus strand (C>T on the coding strand, the complement: TMC6 is on the minus strand). VCF-style: chr17-78124130-G-A. GRCh37 (hg19) VCF-style: chr17-76120211-G-A.
Other names: c.941C>T, p.Thr314Met (NM_001321185.1, NM_001374593.1, NM_001374594.1 and 4 more transcripts); c.941C>T (NM_007267.6); short protein forms T314M.
Identifiers: ClinVar variation 946466 (VCV000946466.7), dbSNP rs151028330, ClinGen allele CA8795927.